The following is an entry in ClinVar:

ClinVar aggregate classification (germline): Benign/Likely benign. Review status: criteria provided, multiple submitters, no conflicts (2 of 4 stars). 2 submissions from 2 submitters: Benign (1); Likely benign (1). Last evaluated 2024-06-13.

Conditions:
Familial cancer of breast. Also called: Hereditary breast cancer; BREAST CANCER, FAMILIAL; hereditary breast carcinoma. Identifiers: Orphanet 227535, MedGen C0346153, MONDO:0016419, OMIM 114480. Disease mechanism: loss of function.

Submissions (2):

Myriad Genetics, Inc.
Classification: Benign for Familial cancer of breast. Last evaluated: 2024-06-13. Review status: criteria provided, single submitter. Criteria: Myriad Autosomal Dominant, Autosomal Recessive and X-Linked Classification Criteria (2023). Collection method: clinical testing. Allele origin: unknown.
Comment: This variant is considered benign. This variant is a silent/synonymous amino acid change and it is not expected to impact splicing.

GeneDx
Classification: Likely benign. Last evaluated: 2016-07-29. Review status: criteria provided, single submitter. Criteria: GeneDx Variant Classification (06012015). Collection method: clinical testing. Allele origin: germline. Affected: yes.
Comment: This variant is considered likely benign or benign based on one or more of the following criteria: it is a conservative change, it occurs at a poorly conserved position in the protein, it is predicted to be benign by multiple in silico algorithms, and/or has population frequency not consistent with disease.

NM_000051.4(ATM):c.7107A>C (p.Gly2369=)

Genes: ATM (ATM serine/threonine kinase; plus strand), C11orf65 (chromosome 11 open reading frame 65; minus strand). Cytogenetic location: 11q22.3.
Variant type: single nucleotide variant.
Coding change: c.7107A>C on transcript NM_000051.4 (MANE Select); coding-DNA position 7107, A replaced by C.
Protein change: p.Gly2369=; no amino-acid change (glycine 2369 retained).
Molecular consequence: synonymous variant. On other transcripts: intron variant (2).
Genome position (GRCh38, 1-based): chr11:108,329,038, A>C. VCF-style: chr11-108329038-A-C. GRCh37 (hg19) VCF-style: chr11-108199765-A-C.
Other names: c.7107A>C, p.Gly2369= (NM_001351834.2); c.641-19967T>G (NM_001330368.2); c.*38+6182T>G (NM_001351110.2).
Identifiers: ClinVar variation 388291 (VCV000388291.4), dbSNP rs1057523056, ClinGen allele CA16606205.